The following is an entry in ClinVar:

NM_153332.4(ERI1):c.464C>T (p.Pro155Leu)

Gene: ERI1 (exoribonuclease 1). Cytogenetic location: 8p23.1.
Variant type: single nucleotide variant.
Coding change: c.464C>T on transcript NM_153332.4 (MANE Select); coding-DNA position 464, C replaced by T.
Protein change: p.Pro155Leu; replaces proline 155 with leucine.
Molecular consequence: missense variant.
Genome position (GRCh38, 1-based): chr8:9,011,718, C>T. VCF-style: chr8-9011718-C-T. GRCh37 (hg19) VCF-style: chr8-8869228-C-T.
Other names: c.230C>T, p.Pro77Leu (NM_001354635.2); c.119C>T, p.Pro40Leu (NM_001354636.2); c.464C>T, p.Pro155Leu (NM_001354638.2); short protein forms P155L, P40L, P77L.
Identifiers: ClinVar variation 2674628 (VCV002674628.7), dbSNP rs982911729, ClinGen allele CA171625491.
Genomic context (GRCh38, chr8:9,011,718, plus strand): 5'-TTGAAGCCACTTGTGAAGAAGGAAACCCACCTGAGTTTGTACATGAAATAATTGAATTTC[C>T]GGTTGTTTTACTGAATACGCATACTTTAGAAATAGTAAGTGAATTTTTGTATTTTAATTG-3'
Protein context (NP_699163.2, residues 145-165): PEFVHEIIEF[Pro155Leu]VVLLNTHTLE

ClinVar aggregate classification (germline): Likely pathogenic. Review status: criteria provided, multiple submitters, no conflicts (2 of 4 stars). 3 submissions from 3 submitters: Likely pathogenic (2). 1 of the submissions does not count toward it. Last evaluated 2026-10-18.

Conditions:
Spondyloepimetaphyseal dysplasia, Guo-Campeau type. Also called: Spondyloepimetaphyseal dysplasia, Guo-Salian type. Identifiers: MedGen C5882737, MONDO:0958006, OMIM 620663.

gnomAD v4.1: 26 of 1,610,516 alleles (0.0016%); highest among the groups gnomAD compares: East Asian, 0.0022%; no homozygotes.

Submissions (3):

Center of Medical Genetics, The Affiliated Northwest Women's and Children's Hospital of Xi'an Jiaotong University Health Science Center
Classification: Likely pathogenic for Spondyloepimetaphyseal dysplasia, Guo-Campeau type. Last evaluated: 2026-10-18. Review status: criteria provided, single submitter. Criteria: ACMG Guidelines, 2015. Collection method: clinical testing. Allele origin: paternal. Inheritance: Autosomal recessive inheritance. Affected: yes. Observed: 1 variant allele, 1 compound heterozygote.
Comment: The NM_153332.4(ERI1).464C>T (p.Pro155Leu) variant is a missense variant affecting a conserved amino acid residue. The variant is rare in the gnomAD population database, with an allele frequency of 0.0000161 (26 of 1,610,516 chromosomes) and no homozygotes observed. The GRPmax filtering allele frequency (95% CI) is 0.0000197 (PM2_Suppporting). In a previously reported case, this variant was identified in trans with another ERI1 variant, c.62C>A, supporting its pathogenicity in the context of an autosomal recessive disorder (PM3; PMID: 37352860). Well-established functional studies demonstrated a deleterious effect of this variant on ERI1 function (PS3; PMID: 37352860). In summary, this variant was classified as likely pathogenic based on the combined evidence.

SIB Swiss Institute of Bioinformatics
Classification: Likely pathogenic for Spondyloepimetaphyseal dysplasia, Guo-Campeau type. Last evaluated: 2024-03-03. Review status: criteria provided, single submitter. Criteria: ACMG Guidelines, 2015. Collection method: curation. Allele origin: unknown. Affected: yes.
Comment: This variant is interpreted for Spondyloepimetaphyseal dysplasia, Guo-Campeau type, autosomal recessive. The following ACMG Tag(s) were applied: Absent from controls (or at extremely low frequency if recessive) in gnomAD (PM2). For recessive disorders, detected in trans with a pathogenic variant (PM3). Well-established functional studies show a deleterious effect (PS3-moderate).

OMIM
Classification: Pathogenic for SPONDYLOEPIMETAPHYSEAL DYSPLASIA, GUO-CAMPEAU TYPE. Last evaluated: 2024-02-08. Review status: no assertion criteria provided. Collection method: literature only. Allele origin: germline. Not counted in ClinVar's aggregate classification.

Literature cited by the submitters: PubMed 37352860 (cited by SIB Swiss Institute of Bioinformatics and OMIM).